The following is an entry in ClinVar:

NM_013275.6(ANKRD11):c.7714-1G>A

Gene: ANKRD11 (ankyrin repeat domain 11; minus strand). Cytogenetic location: 16q24.3.
Variant type: single nucleotide variant.
Coding change: c.7714-1G>A on transcript NM_013275.6 (MANE Select); the canonical splice acceptor site of the intron before coding-DNA position 7714, G replaced by A.
Molecular consequence: splice acceptor variant.
Genome position (GRCh38, 1-based): chr16:89,270,910, C>T on the plus strand (G>A on the coding strand, the complement: ANKRD11 is on the minus strand). VCF-style: chr16-89270910-C-T. GRCh37 (hg19) VCF-style: chr16-89337318-C-T.
Other names: c.7714-1G>A (NM_001256183.2, NM_001256182.2).
Identifiers: ClinVar variation 4846851 (VCV004846851.1).

ClinVar aggregate classification (germline): Uncertain significance (1 of 4 stars; one submission).

Conditions:
KBG syndrome (KBGS). Also called: ANKRD11-Related KBG Syndrome. Identifiers: Orphanet 2332, MedGen C0220687, MONDO:0007846, OMIM 148050.

Submission:

Laboratorio de Genetica e Diagnostico Molecular, Hospital Israelita Albert Einstein
Classification: Uncertain significance for KBG syndrome. Last evaluated: 2025-07-04. Review status: criteria provided, single submitter. Criteria: ACMG Guidelines, 2015. Collection method: clinical testing. Allele origin: germline. Affected: yes.
Comment: ACMG classification criteria: PVS1 strong, PM2 supporting